The following is an entry in ClinVar:

NM_001396959.1(TBC1D1):c.1953T>C (p.Gly651=)

Gene: TBC1D1 (TBC1 domain family member 1; plus strand). Cytogenetic location: 4p14.
Variant type: single nucleotide variant.
Coding change: c.1953T>C on transcript NM_001396959.1 (MANE Select); coding-DNA position 1953, T replaced by C.
Protein change: p.Gly651=; no amino-acid change (glycine 651 retained).
Molecular consequence: synonymous variant. On other transcripts: intron variant (1).
Genome position (GRCh38, 1-based): chr4:38,051,941, T>C. VCF-style: chr4-38051941-T-C. GRCh37 (hg19) VCF-style: chr4-38053562-T-C.
Other names: c.1953T>C, p.Gly651= (NM_001253912.2); c.1910+2043T>C (NM_015173.4).
Identifiers: ClinVar variation 3043320 (VCV003043320.2), dbSNP rs188959191, ClinGen allele CA2887923.
Genomic context (GRCh38, chr4:38,051,941, plus strand): 5'-TCTCTGATTGCTGTTTAGTGTGGATCCTTCACCTGTGGGTGAGTCTAAGCACCGCCCAGG[T>C]CAGTCTTCAGCTCCTGCTCCTCCACCTCGTCTTAACCCCTCCGCCTCCTCGCCAAACTTT-3'
Protein context (NP_001383888.1, residues 641-661): SPVGESKHRP[Gly651=]QSSAPAPPPR

ClinVar aggregate classification (germline): Likely benign (0 of 4 stars; one submission).

Conditions:
TBC1D1-related disorder. Also called: TBC1D1-related condition.

Allele frequency attached by ClinVar (database versions not stated): gnomAD exomes 0.00004; ExAC 0.00012; 1000 Genomes Project 30x 0.00016; 1000 Genomes Project 0.00020; gnomAD 0.00049; TOPMed 0.00054.
gnomAD v4.1: 136 of 1,550,462 alleles (0.0088%); highest among the groups gnomAD compares: African/African-American, 0.17%; no homozygotes.

Submission:

PreventionGenetics, part of Exact Sciences
Classification: Likely benign for TBC1D1-related condition. Last evaluated: 2020-12-15. Review status: no assertion criteria provided. Collection method: clinical testing. Allele origin: germline.
Comment: This variant is classified as likely benign based on ACMG/AMP sequence variant interpretation guidelines (Richards et al. 2015 PMID: 25741868, with internal and published modifications).